The following is an entry in ClinVar:

NM_001042424.3(NSD2):c.3148G>A (p.Glu1050Lys)

Gene: NSD2 (nuclear receptor binding SET domain protein 2; plus strand). Cytogenetic location: 4p16.3.
Variant type: single nucleotide variant.
Coding change: c.3148G>A on transcript NM_001042424.3 (MANE Select); coding-DNA position 3148, G replaced by A.
Protein change: p.Glu1050Lys; replaces glutamic acid 1050 with lysine.
Molecular consequence: missense variant.
Genome position (GRCh38, 1-based): chr4:1,959,633, G>A. VCF-style: chr4-1959633-G-A. GRCh37 (hg19) VCF-style: chr4-1961360-G-A.
Other names: c.3148G>A (NM_133330.2); c.3148G>A, p.Glu1050Lys (NM_133330.3, NM_133331.3, NM_133335.4); short protein forms E1050K.
Identifiers: ClinVar variation 2890862 (VCV002890862.4), dbSNP rs1047838051, ClinGen allele CA91284752.

ClinVar aggregate classification (germline): Conflicting classifications of pathogenicity. Review status: criteria provided, conflicting classifications (1 of 4 stars). 2 submissions from 2 submitters: Uncertain significance (1); Likely benign (1). Last evaluated 2025-12-26.

Conditions:
Inborn genetic diseases. Identifiers: MedGen C0950123, MeSH D030342.

Allele frequency attached by ClinVar (database versions not stated): gnomAD exomes 0.00007; TOPMed 0.00002; gnomAD 0.00002.

Submissions (2):

Labcorp Genetics (formerly Invitae), Labcorp
Classification: Uncertain significance. Last evaluated: 2025-12-26. Review status: criteria provided, single submitter. Criteria: Invitae Variant Classification Sherloc (09022015). Collection method: clinical testing. Allele origin: germline.
Comment: This sequence change replaces glutamic acid, which is acidic and polar, with lysine, which is basic and polar, at codon 1050 of the WHSC1 protein (p.Glu1050Lys). This variant is present in population databases (no rsID available, gnomAD 0.004%). This variant has not been reported in the literature in individuals affected with WHSC1-related conditions. ClinVar contains an entry for this variant (Variation ID: 2890862). Invitae Evidence Modeling of protein sequence and biophysical properties (such as structural, functional, and spatial information, amino acid conservation, physicochemical variation, residue mobility, and thermodynamic stability) indicates that this missense variant is not expected to disrupt WHSC1 protein function with a negative predictive value of 80%. In summary, the available evidence is currently insufficient to determine the role of this variant in disease. Therefore, it has been classified as a Variant of Uncertain Significance.

Ambry Genetics
Classification: Likely benign for Inborn genetic diseases. Last evaluated: 2021-09-30. Review status: criteria provided, single submitter. Criteria: Ambry Variant Classification Scheme 2023. Collection method: clinical testing. Allele origin: germline.